The following is an entry in ClinVar:

NM_198252.3(GSN):c.1191+4C>T

Gene: GSN (gelsolin; plus strand). Cytogenetic location: 9q33.2.
Variant type: single nucleotide variant.
Coding change: c.1191+4C>T on transcript NM_198252.3 (MANE Select); 4 bases into the intron after coding-DNA position 1191, C replaced by T.
Molecular consequence: intron variant.
Genome position (GRCh38, 1-based): chr9:121,318,884, C>T. VCF-style: chr9-121318884-C-T. GRCh37 (hg19) VCF-style: chr9-124081162-C-T.
Other names: c.1191+4C>T (NM_001353054.1, NM_001353053.1, NM_001353060.2 and 10 more transcripts); c.1224+4C>T (NM_001353064.2, NM_001353071.2, NM_001127666.2 and 13 more transcripts); c.1263+4C>T (NM_001353076.2); c.537+4C>T (NM_001353078.2); c.1242+4C>T (NM_001258029.2); c.1215+4C>T (NM_001258030.2); c.1344+4C>T (NM_000177.5); c.1299+4C>T (NM_001127663.2).
Identifiers: ClinVar variation 364810 (VCV000364810.13), dbSNP rs372713895, ClinGen allele CA5221164.

ClinVar aggregate classification (germline): Conflicting classifications of pathogenicity. Review status: criteria provided, conflicting classifications (1 of 4 stars). 4 submissions from 4 submitters: Uncertain significance (1); Benign (1); Likely benign (2). Last evaluated 2026-06-17.

Conditions:
GSN-related disorder. Also called: GSN-related condition.
Finnish type amyloidosis. Also called: AMYLOID CRANIAL NEUROPATHY WITH LATTICE CORNEAL DYSTROPHY; AMYLOIDOSIS DUE TO MUTANT GELSOLIN; AMYLOIDOSIS, HEREDITARY SYSTEMIC 4, FINNISH TYPE; Amyloidosis, familial, Finnish type; Meretoja type amyloidosis; Amyloidosis 5. Identifiers: Orphanet 85448, MedGen C1622345, MONDO:0007097, OMIM 105120.
Inborn genetic diseases. Identifiers: MedGen C0950123, MeSH D030342.

Allele frequency attached by ClinVar (database versions not stated): TOPMed 0.00007; ESP Exome Variant Server 0.00008; gnomAD exomes 0.00008 and 0.00016; gnomAD 0.00012 and 0.00014; ExAC 0.00019.
gnomAD v4.1: 136 of 1,609,550 alleles (0.0084%); highest among the groups gnomAD compares: Admixed American, 0.033%; no homozygotes.

Submissions (4):

PreventionGenetics, part of Exact Sciences
Classification: Likely benign for GSN-related condition. Last evaluated: 2026-06-17. Review status: criteria provided, single submitter. Criteria: ACMG Guidelines, 2015. Collection method: clinical testing. Allele origin: germline.
Comment: This variant is classified as likely benign based on ACMG/AMP sequence variant interpretation guidelines (Richards et al. 2015 PMID: 25741868, with internal and published modifications).

Labcorp Genetics (formerly Invitae), Labcorp
Classification: Uncertain significance. Last evaluated: 2025-11-24. Review status: criteria provided, single submitter. Criteria: Invitae Variant Classification Sherloc (09022015). Collection method: clinical testing. Allele origin: germline.
Comment: This sequence change falls in intron 9 of the GSN gene. It does not directly change the encoded amino acid sequence of the GSN protein. It affects a nucleotide within the consensus splice site. This variant is present in population databases (rs372713895, gnomAD 0.06%), and has an allele count higher than expected for a pathogenic variant. This variant has not been reported in the literature in individuals affected with GSN-related conditions. ClinVar contains an entry for this variant (Variation ID: 364810). Variants that disrupt the consensus splice site are a relatively common cause of aberrant splicing (PMID: 17576681, 9536098). Algorithms developed to predict the effect of sequence changes on RNA splicing suggest that this variant is not likely to affect RNA splicing. In summary, the available evidence is currently insufficient to determine the role of this variant in disease. Therefore, it has been classified as a Variant of Uncertain Significance.

Ambry Genetics
Classification: Likely benign for Inborn genetic diseases. Last evaluated: 2020-03-25. Review status: criteria provided, single submitter. Criteria: Ambry Variant Classification Scheme 2023. Collection method: clinical testing. Allele origin: germline.

Illumina Laboratory Services, Illumina
Classification: Benign for Finnish type amyloidosis. Last evaluated: 2018-01-13. Review status: criteria provided, single submitter. Criteria: ICSL Variant Classification Criteria 13 December 2019. Collection method: clinical testing. Allele origin: germline.
Comment: This variant was observed in the ICSL laboratory as part of a predisposition screen in an ostensibly healthy population. It had not been previously curated by ICSL or reported in the Human Gene Mutation Database (HGMD: prior to June 1st, 2018), and was therefore a candidate for classification through an automated scoring system. Utilizing variant allele frequency, disease prevalence and penetrance estimates, and inheritance mode, an automated score was calculated to assess if this variant is too frequent to cause the disease. Based on the score and internal cut-off values, a variant classified as benign is not then subjected to further curation. The score for this variant resulted in a classification of benign for this disease.

Literature cited by the submitters: PubMed 17576681 (cited by Labcorp Genetics (formerly Invitae), Labcorp); PubMed 9536098 (cited by Labcorp Genetics (formerly Invitae), Labcorp).